The following is an entry in ClinVar:

ClinVar aggregate classification (germline): Uncertain significance. Review status: criteria provided, multiple submitters, no conflicts (2 of 4 stars). 2 submissions from 2 submitters: Uncertain significance (2). Last evaluated 2025-01-30.

Conditions:
Fanconi anemia (FA). Also called: Fanconi's anemia. Identifiers: Orphanet 84, MedGen C0015625, MeSH D005199, MONDO:0019391.
Fanconi anemia complementation group C (FANCC). Also called: FANCONI PANCYTOPENIA, TYPE 3; FACC; FANCC-Related Fanconi Anemia; Fanconi anemia, group C. Identifiers: Orphanet 84, MedGen C3468041, MONDO:0009213, OMIM 227645.

Submissions (2):

Labcorp Genetics (formerly Invitae), Labcorp
Classification: Uncertain significance for Fanconi anemia. Last evaluated: 2025-01-30. Review status: criteria provided, single submitter. Criteria: Invitae Variant Classification Sherloc (09022015). Collection method: clinical testing. Allele origin: germline.
Comment: This sequence change replaces glutamic acid, which is acidic and polar, with glycine, which is neutral and non-polar, at codon 553 of the FANCC protein (p.Glu553Gly). This variant is not present in population databases (gnomAD no frequency). This variant has not been reported in the literature in individuals affected with FANCC-related conditions. An algorithm developed to predict the effect of missense changes on protein structure and function (PolyPhen-2) suggests that this variant is likely to be disruptive. In summary, the available evidence is currently insufficient to determine the role of this variant in disease. Therefore, it has been classified as a Variant of Uncertain Significance.

Fulgent Genetics
Classification: Uncertain significance for Fanconi anemia complementation group C. Last evaluated: 2024-06-03. Review status: criteria provided, single submitter. Criteria: ACMG Guidelines, 2015. Collection method: clinical testing. Allele origin: germline.

NM_000136.3(FANCC):c.1658A>G (p.Glu553Gly)

Genes: FANCC (FA complementation group C; minus strand), AOPEP (aminopeptidase O (putative); plus strand). Cytogenetic location: 9q22.32.
Variant type: single nucleotide variant.
Coding change: c.1658A>G on transcript NM_000136.3 (MANE Select); coding-DNA position 1658, A replaced by G.
Protein change: p.Glu553Gly; replaces glutamic acid 553 with glycine.
Molecular consequence: missense variant.
Genome position (GRCh38, 1-based): chr9:95,101,726, T>C on the plus strand (A>G on the coding strand, the complement: FANCC is on the minus strand). VCF-style: chr9-95101726-T-C. GRCh37 (hg19) VCF-style: chr9-97864008-T-C.
Other names: c.1658A>G, p.Glu553Gly (NM_001243743.2); short protein forms E553G.
Identifiers: ClinVar variation 3597802 (VCV003597802.3).
Genomic context (GRCh38, chr9:95,101,726, plus strand): 5'-CTGATCCCTCACGCCGGGCACCCACACGGCCTGCGTGCCTTCTAGACTTGAGTTCGCAGC[T>C]CTTTAAGGAGCTCTCGGGCCAGTTTTTCTGATCTAGGGCTTTCAATGCCAAGACGATTCC-3'
Protein context (NP_000127.2, residues 543-558): SEKLARELLK[Glu553Gly]LRTQV